The following is an entry in ClinVar:

NM_004655.4(AXIN2):c.174C>A (p.Asn58Lys)

Gene: AXIN2 (axin 2; minus strand). Cytogenetic location: 17q24.1.
Variant type: single nucleotide variant.
Coding change: c.174C>A on transcript NM_004655.4 (MANE Select); coding-DNA position 174, C replaced by A.
Protein change: p.Asn58Lys; replaces asparagine 58 with lysine.
Molecular consequence: missense variant.
Genome position (GRCh38, 1-based): chr17:65,558,447, G>T on the plus strand (C>A on the coding strand, the complement: AXIN2 is on the minus strand). VCF-style: chr17-65558447-G-T. GRCh37 (hg19) VCF-style: chr17-63554565-G-T.
Other names: c.174C>A, p.Asn58Lys (NM_001363813.1); short protein forms N58K.
Identifiers: ClinVar variation 933817 (VCV000933817.10), dbSNP rs763012548, ClinGen allele CA400681966.

ClinVar aggregate classification (germline): Uncertain significance. Review status: criteria provided, multiple submitters, no conflicts (2 of 4 stars). 2 submissions from 2 submitters: Uncertain significance (2). Last evaluated 2024-04-14.

Conditions:
Hereditary cancer-predisposing syndrome. Also called: Neoplastic Syndromes, Hereditary; Hereditary Cancer Syndrome; Hereditary neoplastic syndrome; Tumor predisposition. Identifiers: Orphanet 140162, MedGen C0027672, MeSH D009386, MONDO:0015356.
Oligodontia-cancer predisposition syndrome. Also called: TOOTH AGENESIS-COLORECTAL CANCER SYNDROME. Identifiers: Orphanet 300576, MedGen C1837750, MONDO:0012075, OMIM 608615. Disease mechanism: loss of function.

Submissions (2):

Ambry Genetics
Classification: Uncertain significance for Hereditary cancer-predisposing syndrome. Last evaluated: 2024-04-14. Review status: criteria provided, single submitter. Criteria: Ambry Variant Classification Scheme 2023. Collection method: clinical testing. Allele origin: germline.
Comment: The p.N58K variant (also known as c.174C>A), located in coding exon 1 of the AXIN2 gene, results from a C to A substitution at nucleotide position 174. The asparagine at codon 58 is replaced by lysine, an amino acid with similar properties. This amino acid position is conserved. In addition, this alteration is predicted to be tolerated by in silico analysis. Based on the available evidence, the clinical significance of this variant remains unclear.

Labcorp Genetics (formerly Invitae), Labcorp
Classification: Uncertain significance for Oligodontia-cancer predisposition syndrome. Last evaluated: 2022-05-19. Review status: criteria provided, single submitter. Criteria: Invitae Variant Classification Sherloc (09022015). Collection method: clinical testing. Allele origin: germline.
Comment: Algorithms developed to predict the effect of missense changes on protein structure and function are either unavailable or do not agree on the potential impact of this missense change (SIFT: "Tolerated"; PolyPhen-2: "Possibly Damaging"; Align-GVGD: "Class C0"). This sequence change replaces asparagine, which is neutral and polar, with lysine, which is basic and polar, at codon 58 of the AXIN2 protein (p.Asn58Lys). This variant is not present in population databases (gnomAD no frequency). This variant has not been reported in the literature in individuals affected with AXIN2-related conditions. ClinVar contains an entry for this variant (Variation ID: 933817). In summary, the available evidence is currently insufficient to determine the role of this variant in disease. Therefore, it has been classified as a Variant of Uncertain Significance.